The following is an entry in ClinVar:

ClinVar aggregate classification (germline): Conflicting classifications of pathogenicity. Review status: criteria provided, conflicting classifications (1 of 4 stars). 25 submissions from 24 submitters: Uncertain significance (17); Benign (1); Likely benign (3). 4 of the submissions do not count toward it. Last evaluated 2026-05-05.

Conditions:
Inherited breast cancer and ovarian cancer.
RAD51C-related disorder. Also called: RAD51C-related disorders; RAD51C-related condition.
Breast and/or ovarian cancer. Identifiers: MedGen CN221562.
Breast-ovarian cancer, familial, susceptibility to, 3. Also called: RAD51C-Related Breast/Ovarian Cancer. Identifiers: Orphanet 145, MedGen C3150659, MONDO:0013253, OMIM 613399.
Fanconi anemia complementation group O. Also called: RAD51C-Related Fanconi Anemia. Identifiers: Orphanet 84, MedGen C3150653, MONDO:0013248, OMIM 613390.
Hereditary cancer-predisposing syndrome. Also called: Neoplastic Syndromes, Hereditary; Tumor predisposition; Hereditary Cancer Syndrome; Hereditary neoplastic syndrome. Identifiers: Orphanet 140162, MedGen C0027672, MeSH D009386, MONDO:0015356.
Ovarian neoplasm. Also called: Neoplasm of ovary; Ovarian Neoplasms; Ovarian tumor. Identifiers: MedGen C0919267, MeSH D010051, MONDO:0021068, HP:0100615.
Hereditary breast ovarian cancer syndrome. Also called: BRCA1- and BRCA2-Associated Hereditary Breast and Ovarian Cancer; Hereditary breast and ovarian cancer; Hereditary breast and ovarian cancer syndrome; Hereditary breast and ovarian cancer syndrome (HBOC); Breast and ovarian cancer; Hereditary breast and/or ovarian cancer syndrome. Identifiers: Orphanet 145, MedGen C0677776, MeSH D061325, MONDO:0003582. Disease mechanism: loss of function.
Malignant tumor of breast. Also called: Cancer breast; Malignant breast neoplasm. Identifiers: MedGen C0006142, MONDO:0007254. Disease mechanism: loss of function.

Allele frequency attached by ClinVar (database versions not stated): ExAC 0.00006; gnomAD exomes 0.00006; ESP Exome Variant Server 0.00008; TOPMed 0.00010; gnomAD 0.00012 and 0.00014.
gnomAD v4.1: 182 of 1,612,926 alleles (0.011%); highest among the groups gnomAD compares: Non-Finnish European, 0.014%; no homozygotes.

Submissions 1 to 8 of 25:

German Consortium for Hereditary Breast and Ovarian Cancer, University Hospital Cologne
Classification: Benign for Hereditary breast ovarian cancer syndrome. Last evaluated: 2026-05-05. Review status: criteria provided, single submitter. Criteria: ACMG SVI. Collection method: curation. Allele origin: germline.
Comment: This classification follows the ACMG SVI adaptation classification scheme; We chose these criteria: PP3 (supporting pathogenic): SpliceAI Donor Gain 0.71, BS1 (strong benign): gnomAD v3.1.2. (non-cancer) Grpmax Filtering AF = 0.0001123 (= 0.01%), thus > 0.00583% as per CanVIG RAD51C specifications, BS3 (strong benign): unchanged in SGE assay Olvera-León et al. Cell 2024 187(20):5719-5734 Supplement table 2 (PMID: 39299233); neutral in HDR assay Hu et al. Cancer Res. 2023 83(15):2557-2571 (PMID: 37253112)

Cambridge Genomics Laboratory, East Genomic Laboratory Hub, NHS Genomic Medicine Service
Classification: Likely benign for Inherited breast cancer and ovarian cancer. Last evaluated: 2026-03-10. Review status: criteria provided, single submitter. Criteria: ACGS Best Practice Guidelines for Variant Classification in Rare Disease 2020. Collection method: clinical testing. Allele origin: germline. Affected: yes.
Comment: PP3,BS3_Moderate

Labcorp Genetics (formerly Invitae), Labcorp
Classification: Uncertain significance for Fanconi anemia complementation group O. Last evaluated: 2026-01-27. Review status: criteria provided, single submitter. Criteria: Invitae Variant Classification Sherloc (09022015). Collection method: clinical testing. Allele origin: germline.
Comment: This sequence change replaces leucine, which is neutral and non-polar, with valine, which is neutral and non-polar, at codon 262 of the RAD51C protein (p.Leu262Val). This variant is present in population databases (rs149331537, gnomAD 0.01%). This missense change has been observed in individual(s) with breast cancer, ovarian cancer, pancreatic cancer, colon cancer (PMID: 21990120, 26261251, 26740214, 28135145, 28767289, 35039523, 36099300). ClinVar contains an entry for this variant (Variation ID: 128210). Invitae Evidence Modeling of protein sequence and biophysical properties (such as structural, functional, and spatial information, amino acid conservation, physicochemical variation, residue mobility, and thermodynamic stability) indicates that this missense variant is not expected to disrupt RAD51C protein function with a negative predictive value of 80%. Experimental studies have shown that this missense change does not substantially affect RAD51C function (PMID: 37253112, 39299233). Studies have shown that this missense change is associated with inconclusive levels of altered splicing (internal data). In summary, the available evidence is currently insufficient to determine the role of this variant in disease. Therefore, it has been classified as a Variant of Uncertain Significance.

PreventionGenetics, part of Exact Sciences
Classification: Uncertain significance for RAD51C-related condition. Last evaluated: 2026-01-13. Review status: criteria provided, single submitter. Criteria: ACMG Guidelines, 2015. Collection method: clinical testing. Allele origin: germline.
Comment: The RAD51C c.784T>G variant is predicted to result in the amino acid substitution p.Leu262Val. This variant has been reported as a variant of uncertain significance in multiple individuals with BRCA1/2-negative breast/ovarian cancer (for example, see Thompson et al. 2012. PubMed ID: 21990120; Cunningham et al. 2014. PubMed ID: 24504028; Lerner-Ellis et al. 2021. PubMed ID: 32885271) and one individual with pancreatic cancer (Shindo et al. 2017. PubMed ID: 28767289). However, it has also been reported in an individual with colorectal cancer who was heterozygous for pathogenic variants in the ATM and KRAS genes (Yurgelun et al. 2017. PubMed ID: 28135145). In vitro studies suggest that this variant does not significantly alter protein-protein interactions between RAD51C and its binding partners relative to wild type (Prakash et al. 2022. PubMed ID: 36099300). Additionally, this variant is predicted to generate a cryptic splice donor site by available in silico splicing prediction programs (SpliceAI, Jaganathan et al. 2019. PubMed ID: 30661751), but this has not been directly confirmed by functional studies or RNA sequencing analysis. This variant is reported in 0.012% of alleles in individuals of European (Non-Finnish) descent in gnomAD and is classified as a variant of uncertain significance in ClinVar (Variation ID: 128210). At this time, the clinical significance of this variant is uncertain due to the absence of conclusive functional and genetic evidence.

Center for Genomic Medicine, Rigshospitalet, Copenhagen University Hospital
Classification: Uncertain significance. Last evaluated: 2025-12-29. Review status: criteria provided, single submitter. Criteria: ACMG Guidelines, 2015. Collection method: clinical testing. Allele origin: germline.

Ambry Genetics
Classification: Likely benign for Hereditary cancer-predisposing syndrome. Last evaluated: 2025-11-25. Review status: criteria provided, single submitter. Criteria: Ambry Variant Classification Scheme 2023. Collection method: clinical testing. Allele origin: germline.

Quest Diagnostics Nichols Institute San Juan Capistrano
Classification: Uncertain significance. Last evaluated: 2025-08-29. Review status: criteria provided, single submitter. Criteria: Quest Diagnostics criteria. Collection method: clinical testing. Allele origin: unknown.
Comment: The RAD51C c.784T>G (p.Leu262Val) variant has been reported in the published literature in individuals with breast and/or ovarian cancer (PMID: 36099300 (2022), 35039523 (2022), 33471991 (2021), 26740214 (2016), 26261251 (2015), 24504028 (2014), 21990120 (2012), see also LOVD), pancreatic cancer (PMID: 32659497 (2020), 28767289 (2017), 28135145 (2017)), as well as in reportedly unaffected individuals (PMID: 35039523 (2022), 33471991 (2021), 26261251 (2015), see also LOVD). Functional studies demonstrated that this variant was not damaging to RAD51C protein function (PMID: 39299233 (2024), 37253112 (2023), 36099300 (2022)). The frequency of this variant in the general population (Genome Aggregation Database) is uninformative in the assessment of its pathogenicity. Analysis of this variant using bioinformatics tools for the prediction of the effect of amino acid changes on protein structure and function yielded conflicting predictions that this variant is deleterious or benign. Additional analysis using software algorithms for the prediction of the effect of nucleotide changes on RAD51C mRNA splicing yielded predictions that this variant may result in the gain of a cryptic splice site without affecting the natural splice sites. Based on the available information, we are unable to determine the clinical significance of this variant.

Women's Health and Genetics/Laboratory Corporation of America, LabCorp
Classification: Uncertain significance. Last evaluated: 2025-08-25. Review status: criteria provided, single submitter. Criteria: LabCorp Variant Classification Summary - May 2015. Collection method: clinical testing. Allele origin: germline.
Comment: Variant summary: RAD51C c.784T>G (p.Leu262Val) results in a conservative amino acid change located in the DNA recombination and repair protein Rad51-like, C-terminal domain of the encoded protein sequence. Algorithms developed to predict the effect of missense changes on protein structure and function are either unavailable or do not agree on the potential impact of this missense change. The variant allele was found at a frequency of 5.7e-05 in 261730 control chromosomes. This frequency is not significantly higher than estimated for disease-causing variants in RAD51C, allowing no conclusion about variant significance. c.784T>G has been reported in several patients with breast and/or ovarian cancer, colorectal cancer and pancreatic cancer (Thompson_2011, Cunningham_2014, Song_2015, Jonson_2016, Yurgelun_2017, Shindo_2017, etc), without clear evidence supporting pathogenicity. In a study (Song_2015), the variant was found to be slightly overrepresented in ovarian cases (4/3429) than in controls (1/2772). To our knowledge, no experimental evidence demonstrating an impact on protein function has been reported. The following publications have been ascertained in the context of this evaluation (PMID: 25086635, 30306255, 24504028, 33471991, 32659497, 26740214, 23117857, 32885271, 31874108, 29416752, 30426508, 28767289, 26261251, 25470109, 21990120, 28135145). ClinVar contains an entry for this variant (Variation ID: 128210). Based on the evidence outlined above, the variant was classified as uncertain significance.

NM_058216.3(RAD51C):c.784T>G (p.Leu262Val)

Gene: RAD51C (RAD51 paralog C; plus strand). Cytogenetic location: 17q22.
Variant type: single nucleotide variant.
Coding change: c.784T>G on transcript NM_058216.3 (MANE Select); coding-DNA position 784, T replaced by G.
Protein change: p.Leu262Val; replaces leucine 262 with valine.
Molecular consequence: missense variant. On other transcripts: non-coding transcript variant (1).
Genome position (GRCh38, 1-based): chr17:58,709,937, T>G. VCF-style: chr17-58709937-T-G. GRCh37 (hg19) VCF-style: chr17-56787298-T-G.
Other names: p.L262V:TTA>GTA; short protein forms L262V.
Identifiers: ClinVar variation 128210 (VCV000128210.66), dbSNP rs149331537, ClinGen allele CA331905.